The following is an entry in ClinVar:

NM_198576.4(AGRN):c.1470C>T (p.Cys490=)

Gene: AGRN (agrin; plus strand). Cytogenetic location: 1p36.33.
Variant type: single nucleotide variant.
Coding change: c.1470C>T on transcript NM_198576.4 (MANE Select); coding-DNA position 1470, C replaced by T.
Protein change: p.Cys490=; no amino-acid change (cysteine 490 retained).
Molecular consequence: synonymous variant.
Genome position (GRCh38, 1-based): chr1:1,043,324, C>T. VCF-style: chr1-1043324-C-T. GRCh37 (hg19) VCF-style: chr1-978704-C-T.
Other names: c.1470C>T, p.Cys490= (NM_001305275.2); c.1155C>T, p.Cys385= (NM_001364727.2); c.1470C>T (NM_198576.3).
Identifiers: ClinVar variation 1085776 (VCV001085776.11), dbSNP rs372048253, ClinGen allele CA508192.

ClinVar aggregate classification (germline): Likely benign. Review status: criteria provided, single submitter (1 of 4 stars). 2 submissions from 2 submitters: Likely benign (1). 1 of the submissions does not count toward it. Last evaluated 2024-10-28.

Conditions:
AGRN-related disorder. Also called: AGRN-related condition.
Congenital myasthenic syndrome 8. Also called: Myasthenic syndrome, congenital, 8, with pre- and postsynaptic defects; MYASTHENIC SYNDROME, CONGENITAL, DUE TO AGRIN DEFICIENCY. Identifiers: Orphanet 590, MedGen C3808739, MONDO:0014052, OMIM 615120.

Allele frequency attached by ClinVar (database versions not stated): gnomAD exomes 0.00001 and 0.00002; ExAC 0.00003; TOPMed 0.00012; gnomAD 0.00013 and 0.00014; 1000 Genomes Project 30x 0.00016; 1000 Genomes Project 0.00020; ESP Exome Variant Server 0.00023.
gnomAD v4.1: 33 of 1,610,100 alleles (0.002%); highest among the groups gnomAD compares: African/African-American, 0.041%; no homozygotes.

Submissions (2):

Labcorp Genetics (formerly Invitae), Labcorp
Classification: Likely benign for Congenital myasthenic syndrome 8. Last evaluated: 2024-10-28. Review status: criteria provided, single submitter. Criteria: Invitae Variant Classification Sherloc (09022015). Collection method: clinical testing. Allele origin: germline.

PreventionGenetics, part of Exact Sciences
Classification: Likely benign for AGRN-related condition. Last evaluated: 2019-06-11. Review status: no assertion criteria provided. Collection method: clinical testing. Allele origin: germline. Not counted in ClinVar's aggregate classification.
Comment: This variant is classified as likely benign based on ACMG/AMP sequence variant interpretation guidelines (Richards et al. 2015 PMID: 25741868, with internal and published modifications).